The following is an entry in ClinVar:

ClinVar aggregate classification (germline): Uncertain significance (1 of 4 stars; one submission).

Conditions:
Hereditary cancer-predisposing syndrome. Also called: Tumor predisposition; Neoplastic Syndromes, Hereditary; Hereditary Cancer Syndrome; Hereditary neoplastic syndrome. Identifiers: Orphanet 140162, MedGen C0027672, MeSH D009386, MONDO:0015356.

Submission:

Ambry Genetics
Classification: Uncertain significance for Hereditary cancer-predisposing syndrome. Last evaluated: 2024-12-19. Review status: criteria provided, single submitter. Criteria: Ambry Variant Classification Scheme 2023. Collection method: clinical testing. Allele origin: germline.
Comment: The p.S394R variant (also known as c.1182C>A), located in coding exon 7 of the MEN1 gene, results from a C to A substitution at nucleotide position 1182. The serine at codon 394 is replaced by arginine, an amino acid with dissimilar properties. This amino acid position is conserved. In addition, this alteration is predicted to be tolerated by in silico analysis. Based on the available evidence, the clinical significance of this variant remains unclear.

NM_001370259.2(MEN1):c.1182C>A (p.Ser394Arg)

Gene: MEN1 (menin 1; minus strand). Cytogenetic location: 11q13.1.
Variant type: single nucleotide variant.
Coding change: c.1182C>A on transcript NM_001370259.2 (MANE Select); coding-DNA position 1182, C replaced by A.
Protein change: p.Ser394Arg; replaces serine 394 with arginine.
Molecular consequence: missense variant. On other transcripts: non-coding transcript variant (4).
Genome position (GRCh38, 1-based): chr11:64,805,638, G>T on the plus strand (C>A on the coding strand, the complement: MEN1 is on the minus strand). VCF-style: chr11-64805638-G-T. GRCh37 (hg19) VCF-style: chr11-64573110-G-T.
Other names: c.1203C>A, p.Ser401Arg (NM_001407151.1); c.1182C>A, p.Ser394Arg (NM_001407152.1, NM_130799.3, NM_001370260.2 and 3 more transcripts); c.1197C>A, p.Ser399Arg (NM_130800.3, NM_130801.3, NM_130802.3 and 4 more transcripts); c.1308C>A, p.Ser436Arg (NM_001370251.2, NM_001407142.1, NM_001407143.1 and 1 more transcripts); c.1077C>A, p.Ser359Arg (NM_001370262.2, NM_001370263.2, NM_001407148.1 and 1 more transcripts); c.1323C>A, p.Ser441Arg (NM_001407150.1); short protein forms S399R, S401R, S394R, S359R, S436R, S441R.
Identifiers: ClinVar variation 3872241 (VCV003872241.1).